The following is an entry in ClinVar:

ClinVar aggregate classification (germline): Pathogenic (1 of 4 stars; one submission).

Submission:

Labcorp Genetics (formerly Invitae), Labcorp
Classification: Pathogenic. Last evaluated: 2022-10-30. Review status: criteria provided, single submitter. Criteria: Invitae Variant Classification Sherloc (09022015). Collection method: clinical testing. Allele origin: germline.
Comment: For these reasons, this variant has been classified as Pathogenic. This variant has not been reported in the literature in individuals affected with PEX3-related conditions. This variant is not present in population databases (gnomAD no frequency). This sequence change creates a premature translational stop signal (p.Leu76Glnfs*68) in the PEX3 gene. It is expected to result in an absent or disrupted protein product. Loss-of-function variants in PEX3 are known to be pathogenic (PMID: 10942428, 21031596).

Literature cited by the submitters: PubMed 10942428; PubMed 21031596.

NM_003630.3(PEX3):c.227_228del (p.Leu76fs)

Gene: PEX3 (peroxisomal biogenesis factor 3; plus strand). Cytogenetic location: 6q24.2.
Variant type: Deletion.
Coding change: c.227_228del on transcript NM_003630.3 (MANE Select); coding-DNA positions 227 to 228, 2 bases deleted (TG; older notation c.227_228delTG).
Protein change: p.Leu76fs; shifts the reading frame from leucine 76.
Molecular consequence: frameshift variant.
Genome position (GRCh38, 1-based): chr6:143,462,937-143,462,938, TG deleted. VCF-style (leftmost placement, unchanged base first): chr6-143462936-CTG-C. GRCh37 (hg19) VCF-style: chr6-143784073-CTG-C.
Other names: short protein forms L76fs.
Identifiers: ClinVar variation 2800237 (VCV002800237.3), dbSNP rs2537186945, ClinGen allele CA2739266192.